The following is an entry in ClinVar:

NM_001374736.1(DST):c.20896G>A (p.Gly6966Arg)

Gene: DST (dystonin; minus strand). Cytogenetic location: 6p12.1.
Variant type: single nucleotide variant.
Coding change: c.20896G>A on transcript NM_001374736.1 (MANE Select); coding-DNA position 20896, G replaced by A.
Protein change: p.Gly6966Arg; replaces glycine 6966 with arginine.
Molecular consequence: missense variant.
Genome position (GRCh38, 1-based): chr6:56,487,255, C>T on the plus strand (G>A on the coding strand, the complement: DST is on the minus strand). VCF-style: chr6-56487255-C-T. GRCh37 (hg19) VCF-style: chr6-56352053-C-T.
Other names: c.14539G>A, p.Gly4847Arg (NM_001144769.5); c.14125G>A, p.Gly4709Arg (NM_001144770.2); c.20896G>A, p.Gly6966Arg (NM_001374722.1); c.19936G>A, p.Gly6646Arg (NM_001374729.1); c.13678G>A, p.Gly4560Arg (NM_001374730.1); c.20923G>A, p.Gly6975Arg (NM_001374734.1); c.14005G>A, p.Gly4669Arg (NM_001386100.1, NM_183380.4); c.13027G>A, p.Gly4343Arg (NM_015548.5); short protein forms G4560R, G4847R, G6966R, G4343R, G4709R, G6646R, G4669R, G6975R.
Identifiers: ClinVar variation 2939584 (VCV002939584.3), dbSNP rs2533828113, ClinGen allele CA364513439.

ClinVar aggregate classification (germline): Uncertain significance (1 of 4 stars; one submission).

Conditions:
Hereditary sensory and autonomic neuropathy type 6. Also called: HSAN VI; Neuropathy, hereditary sensory and autonomic, type VI. Identifiers: Orphanet 314381, MedGen C3539003, MONDO:0013839, OMIM 614653.
Epidermolysis bullosa simplex 3, localized or generalized intermediate, with BP230 deficiency (EBS3). Also called: Epidermolysis bullosa simplex due to BP230 deficiency; Epidermolysis bullosa simplex, autosomal recessive 2. Identifiers: Orphanet 412181, MedGen C3809470, MONDO:0014180, OMIM 615425.

Submission:

Labcorp Genetics (formerly Invitae), Labcorp
Classification: Uncertain significance for Epidermolysis bullosa simplex 3, localized or generalized intermediate, with BP230 deficiency; Hereditary sensory and autonomic neuropathy type 6. Last evaluated: 2024-01-24. Review status: criteria provided, single submitter. Criteria: Invitae Variant Classification Sherloc (09022015). Collection method: clinical testing. Allele origin: germline.
Comment: The DST gene has multiple clinically relevant transcripts. This variant occurs in alternate transcript NM_015548.4, and corresponds to NM_001723.5:c.*128262G>A in the primary transcript. This sequence change replaces glycine, which is neutral and non-polar, with arginine, which is basic and polar, at codon 4343 of the DST protein (p.Gly4343Arg). This variant is not present in population databases (gnomAD no frequency). This variant has not been reported in the literature in individuals affected with DST-related conditions. Experimental studies and prediction algorithms are not available or were not evaluated, and the functional significance of this variant is currently unknown. In summary, the available evidence is currently insufficient to determine the role of this variant in disease. Therefore, it has been classified as a Variant of Uncertain Significance.